The following is an entry in ClinVar:

NM_001290043.2(TAP2):c.1672G>A (p.Gly558Ser)

Gene: TAP2 (transporter 2, ATP binding cassette subfamily B member; minus strand). Cytogenetic location: 6p21.32.
Variant type: single nucleotide variant.
Coding change: c.1672G>A on transcript NM_001290043.2 (MANE Select); coding-DNA position 1672, G replaced by A.
Protein change: p.Gly558Ser; replaces glycine 558 with serine.
Molecular consequence: missense variant.
Genome position (GRCh38, 1-based): chr6:32,830,053, C>T on the plus strand (G>A on the coding strand, the complement: TAP2 is on the minus strand). VCF-style: chr6-32830053-C-T. GRCh37 (hg19) VCF-style: chr6-32797830-C-T.
Other names: c.1672G>A, p.Gly558Ser (NM_000544.3, NM_018833.3); short protein forms G558S.
Identifiers: ClinVar variation 1351747 (VCV001351747.5), dbSNP rs759127287, ClinGen allele CA3745828.

ClinVar aggregate classification (germline): Uncertain significance (1 of 4 stars; one submission).

Conditions:
MHC class I deficiency. Identifiers: Orphanet 34592, MedGen C6024714, MONDO:0011476.

Allele frequency attached by ClinVar (database versions not stated): gnomAD exomes 0.00002 and 0.00001; TOPMed 0.00002; ExAC 0.00003; gnomAD 0.00001.

Submission:

Labcorp Genetics (formerly Invitae), Labcorp
Classification: Uncertain significance for MHC class I deficiency 1. Last evaluated: 2022-02-08. Review status: criteria provided, single submitter. Criteria: Invitae Variant Classification Sherloc (09022015). Collection method: clinical testing. Allele origin: germline.
Comment: This sequence change replaces glycine, which is neutral and non-polar, with serine, which is neutral and polar, at codon 558 of the TAP2 protein (p.Gly558Ser). This variant is present in population databases (rs759127287, gnomAD 0.009%). This variant has not been reported in the literature in individuals affected with TAP2-related conditions. Algorithms developed to predict the effect of missense changes on protein structure and function are either unavailable or do not agree on the potential impact of this missense change (SIFT: "Deleterious"; PolyPhen-2: "Not Available"; Align-GVGD: "Class C0"). Algorithms developed to predict the effect of sequence changes on RNA splicing suggest that this variant may create or strengthen a splice site. In summary, the available evidence is currently insufficient to determine the role of this variant in disease. Therefore, it has been classified as a Variant of Uncertain Significance.